The following is an entry in ClinVar:

NM_001164508.2(NEB):c.8738T>C (p.Ile2913Thr)

Gene: NEB (nebulin; minus strand). Cytogenetic location: 2q23.3.
Variant type: single nucleotide variant.
Coding change: c.8738T>C on transcript NM_001164508.2 (MANE Select); coding-DNA position 8738, T replaced by C.
Protein change: p.Ile2913Thr; replaces isoleucine 2913 with threonine.
Molecular consequence: missense variant.
Genome position (GRCh38, 1-based): chr2:151,640,008, A>G on the plus strand (T>C on the coding strand, the complement: NEB is on the minus strand). VCF-style: chr2-151640008-A-G. GRCh37 (hg19) VCF-style: chr2-152496522-A-G.
Other names: c.8738T>C, p.Ile2913Thr (NM_001164507.2, NM_001271208.2, NM_004543.5); c.8738T>C (NM_004543.4); short protein forms I2913T.
Identifiers: ClinVar variation 534031 (VCV000534031.16), dbSNP rs368373064, ClinGen allele CA1909507.

ClinVar aggregate classification (germline): Conflicting classifications of pathogenicity. Review status: criteria provided, conflicting classifications (1 of 4 stars). 5 submissions from 5 submitters: Uncertain significance (3); Likely benign (1). 1 of the submissions does not count toward it. Last evaluated 2025-10-27.

Conditions:
Nemaline myopathy 2 (NEM2). Also called: Nemaline myopathy 2, autosomal recessive. Identifiers: MedGen C1850569, MONDO:0009725, OMIM 256030.
Inborn genetic diseases. Identifiers: MedGen C0950123, MeSH D030342.

Allele frequency attached by ClinVar (database versions not stated): ExAC 0.00002; gnomAD 0.00002 and 0.00003; gnomAD exomes 0.00002; ESP Exome Variant Server 0.00008.
gnomAD v4.1: 48 of 1,613,858 alleles (0.003%); highest among the groups gnomAD compares: Admixed American, 0.0033%; no homozygotes.

Submissions (5):

Labcorp Genetics (formerly Invitae), Labcorp
Classification: Likely benign for Nemaline myopathy 2. Last evaluated: 2025-10-27. Review status: criteria provided, single submitter. Criteria: Invitae Variant Classification Sherloc (09022015). Collection method: clinical testing. Allele origin: germline.

GeneDx
Classification: Uncertain significance. Last evaluated: 2025-03-15. Review status: criteria provided, single submitter. Criteria: GeneDx Variant Classification Process June 2021. Collection method: clinical testing. Allele origin: germline. Affected: yes.
Comment: In silico analysis indicates that this missense variant does not alter protein structure/function; Has not been previously published as pathogenic or benign to our knowledge

Ambry Genetics
Classification: Uncertain significance for Inborn genetic diseases. Last evaluated: 2025-01-24. Review status: criteria provided, single submitter. Criteria: Ambry Variant Classification Scheme 2023. Collection method: clinical testing. Allele origin: germline.

Revvity Omics, Revvity
Classification: Uncertain significance. Last evaluated: 2023-11-16. Review status: criteria provided, single submitter. Criteria: ACMG Guidelines, 2015. Collection method: clinical testing. Allele origin: germline.

Natera, Inc.
Classification: Uncertain significance for Nemaline myopathy type 2. Last evaluated: 2019-11-11. Review status: no assertion criteria provided. Collection method: clinical testing. Allele origin: germline. Not counted in ClinVar's aggregate classification.